The following is an entry in ClinVar:

NM_022089.4(ATP13A2):c.1075G>A (p.Glu359Lys)

Gene: ATP13A2 (ATPase cation transporting 13A2; minus strand). Cytogenetic location: 1p36.13.
Variant type: single nucleotide variant.
Coding change: c.1075G>A on transcript NM_022089.4 (MANE Select); coding-DNA position 1075, G replaced by A.
Protein change: p.Glu359Lys; replaces glutamic acid 359 with lysine.
Molecular consequence: missense variant.
Genome position (GRCh38, 1-based): chr1:16,997,140, C>T on the plus strand (G>A on the coding strand, the complement: ATP13A2 is on the minus strand). VCF-style: chr1-16997140-C-T. GRCh37 (hg19) VCF-style: chr1-17323635-C-T.
Other names: c.1060G>A, p.Glu354Lys (NM_001141973.3, NM_001141974.3); short protein forms E359K, E354K.
Identifiers: ClinVar variation 2158468 (VCV002158468.1), dbSNP rs1403875589, ClinGen allele CA338255263.

ClinVar aggregate classification (germline): Uncertain significance (1 of 4 stars; one submission).

Conditions:
Autosomal recessive spastic paraplegia type 78. Identifiers: Orphanet 513436, MedGen C5567893, MONDO:0014975, OMIM 617225.
Kufor-Rakeb syndrome (KRS). Also called: PARKINSON DISEASE 9, AUTOSOMAL RECESSIVE, JUVENILE-ONSET. Identifiers: Orphanet 306674, Orphanet 314632, MedGen C1847640, MONDO:0011706, OMIM 606693.

gnomAD v4.1: 6 of 1,613,722 alleles (0.00037%); highest among the groups gnomAD compares: South Asian, 0.0066%; no homozygotes.

Submission:

Labcorp Genetics (formerly Invitae), Labcorp
Classification: Uncertain significance for Kufor-Rakeb syndrome; Autosomal recessive spastic paraplegia type 78. Last evaluated: 2022-08-21. Review status: criteria provided, single submitter. Criteria: Invitae Variant Classification Sherloc (09022015). Collection method: clinical testing. Allele origin: germline.
Comment: This sequence change replaces glutamic acid, which is acidic and polar, with lysine, which is basic and polar, at codon 359 of the ATP13A2 protein (p.Glu359Lys). This variant is not present in population databases (gnomAD no frequency). This variant has not been reported in the literature in individuals affected with ATP13A2-related conditions. Advanced modeling of protein sequence and biophysical properties (such as structural, functional, and spatial information, amino acid conservation, physicochemical variation, residue mobility, and thermodynamic stability) performed at Invitae indicates that this missense variant is not expected to disrupt ATP13A2 protein function. In summary, the available evidence is currently insufficient to determine the role of this variant in disease. Therefore, it has been classified as a Variant of Uncertain Significance.